The following is an entry in ClinVar:

NM_000288.4(PEX7):c.-2G>A

Gene: PEX7 (peroxisomal biogenesis factor 7; plus strand). Cytogenetic location: 6q23.3.
Variant type: single nucleotide variant.
Coding change: c.-2G>A on transcript NM_000288.4 (MANE Select); 2 bases upstream of the start codon, G replaced by A.
Molecular consequence: 5 prime UTR variant.
Genome position (GRCh38, 1-based): chr6:136,822,664, G>A. VCF-style: chr6-136822664-G-A. GRCh37 (hg19) VCF-style: chr6-137143802-G-A.
Identifiers: ClinVar variation 3375555 (VCV003375555.1).

ClinVar aggregate classification (germline): Uncertain significance (1 of 4 stars; one submission).

gnomAD v4.1: 1 of 1,526,114 alleles (0.000066%); highest among the groups gnomAD compares: Non-Finnish European, 0.000088%; no homozygotes.

Submission:

GeneDx
Classification: Uncertain significance. Last evaluated: 2024-05-08. Review status: criteria provided, single submitter. Criteria: GeneDx Variant Classification Process June 2021. Collection method: clinical testing. Allele origin: germline. Affected: yes.
Comment: Not observed at significant frequency in large population cohorts (gnomAD); Nucleotide is not conserved across species and the substitution has no predicted effect on splicing; Has not been previously published as pathogenic or benign to our knowledge